The following is an entry in ClinVar:

ClinVar aggregate classification (germline): Uncertain significance (1 of 4 stars; one submission).

Conditions:
Developmental and epileptic encephalopathy, 23 (DEE23). Also called: Epileptic encephalopathy, early infantile, 23. Identifiers: Orphanet 411986, MedGen C4014492, MONDO:0014371, OMIM 615859.

Submission:

Labcorp Genetics (formerly Invitae), Labcorp
Classification: Uncertain significance for Developmental and epileptic encephalopathy, 23. Last evaluated: 2021-12-27. Review status: criteria provided, single submitter. Criteria: Invitae Variant Classification Sherloc (09022015). Collection method: clinical testing. Allele origin: germline.
Comment: In summary, the available evidence is currently insufficient to determine the role of this variant in disease. Therefore, it has been classified as a Variant of Uncertain Significance. This sequence change replaces arginine, which is basic and polar, with lysine, which is basic and polar, at codon 1523 of the DOCK7 protein (p.Arg1523Lys). This variant is not present in population databases (gnomAD no frequency). This variant has not been reported in the literature in individuals affected with DOCK7-related conditions. Algorithms developed to predict the effect of missense changes on protein structure and function are either unavailable or do not agree on the potential impact of this missense change (SIFT: "Tolerated"; PolyPhen-2: "Probably Damaging"; Align-GVGD: "Class C0").

NM_001367561.1(DOCK7):c.4595G>A (p.Arg1532Lys)

Gene: DOCK7 (dedicator of cytokinesis 7; minus strand). Cytogenetic location: 1p31.3.
Variant type: single nucleotide variant.
Coding change: c.4595G>A on transcript NM_001367561.1 (MANE Select); coding-DNA position 4595, G replaced by A.
Protein change: p.Arg1532Lys; replaces arginine 1532 with lysine.
Molecular consequence: missense variant.
Genome position (GRCh38, 1-based): chr1:62,505,698, C>T on the plus strand (G>A on the coding strand, the complement: DOCK7 is on the minus strand). VCF-style: chr1-62505698-C-T. GRCh37 (hg19) VCF-style: chr1-62971369-C-T.
Other names: c.4568G>A, p.Arg1523Lys (NM_001271999.2, NM_001330614.2); c.4475G>A, p.Arg1492Lys (NM_001272000.2, NM_001272001.2); c.4502G>A, p.Arg1501Lys (NM_033407.4); short protein forms R1492K, R1501K, R1532K, R1523K.
Identifiers: ClinVar variation 2063184 (VCV002063184.4), dbSNP rs2524250964, ClinGen allele CA340619182.